The following is an entry in ClinVar:

NM_001367823.1(ARHGEF18):c.968-182G>T

Gene: ARHGEF18 (Rho/Rac guanine nucleotide exchange factor 18; plus strand). Cytogenetic location: 19p13.2.
Variant type: single nucleotide variant.
Coding change: c.968-182G>T on transcript NM_001367823.1 (MANE Select); 182 bases into the intron before coding-DNA position 968, G replaced by T.
Molecular consequence: intron variant. On other transcripts: missense variant (1).
Genome position (GRCh38, 1-based): chr19:7,440,162, G>T. VCF-style: chr19-7440162-G-T. GRCh37 (hg19) VCF-style: chr19-7505048-G-T.
Other names: c.60G>T, p.Glu20Asp (NM_001130955.2); c.-226-27G>T (NM_001367824.1); c.-71-182G>T (NM_015318.4); short protein forms E20D.
Identifiers: ClinVar variation 2070255 (VCV002070255.4), dbSNP rs1974538693, ClinGen allele CA403093980.

ClinVar aggregate classification (germline): Uncertain significance (1 of 4 stars; one submission).

gnomAD v4.1: 4 of 1,551,432 alleles (0.00026%); highest among the groups gnomAD compares: Non-Finnish European, 0.00035%; no homozygotes.

Submission:

Labcorp Genetics (formerly Invitae), Labcorp
Classification: Uncertain significance. Last evaluated: 2023-07-21. Review status: criteria provided, single submitter. Criteria: Invitae Variant Classification Sherloc (09022015). Collection method: clinical testing. Allele origin: germline.
Comment: This sequence change replaces glutamic acid, which is acidic and polar, with aspartic acid, which is acidic and polar, at codon 74 of the ARHGEF18 protein (p.Glu74Asp). This variant is not present in population databases (gnomAD no frequency). This variant has not been reported in the literature in individuals affected with ARHGEF18-related conditions. ClinVar contains an entry for this variant (Variation ID: 2070255). Algorithms developed to predict the effect of missense changes on protein structure and function output the following: SIFT: "Not Available"; PolyPhen-2: "Benign"; Align-GVGD: "Not Available". The aspartic acid amino acid residue is found in multiple mammalian species, which suggests that this missense change does not adversely affect protein function. In summary, the available evidence is currently insufficient to determine the role of this variant in disease. Therefore, it has been classified as a Variant of Uncertain Significance.